The following is an entry in ClinVar:

ClinVar aggregate classification (germline): Uncertain significance (1 of 4 stars; one submission).

Conditions:
Hereditary sensory and autonomic neuropathy type 7. Also called: HSAN VII; Neuropathy, hereditary sensory and autonomic, type VII. Identifiers: Orphanet 391397, MedGen C3809882, MONDO:0014244, OMIM 615548.
Familial episodic pain syndrome with predominantly lower limb involvement. Also called: Episodic pain syndrome, familial, 3. Identifiers: Orphanet 391384, Orphanet 391392, MedGen C3809899, MONDO:0014247, OMIM 615552.

Allele frequency attached by ClinVar (database versions not stated): gnomAD exomes below 0.00001.
gnomAD v4.1: 1 of 1,611,036 alleles (0.000062%); highest among the groups gnomAD compares: Non-Finnish European, 0.000085%; no homozygotes.

Submission:

Labcorp Genetics (formerly Invitae), Labcorp
Classification: Uncertain significance for Familial episodic pain syndrome with predominantly lower limb involvement; Hereditary sensory and autonomic neuropathy type 7. Last evaluated: 2021-12-21. Review status: criteria provided, single submitter. Criteria: Invitae Variant Classification Sherloc (09022015). Collection method: clinical testing. Allele origin: germline.
Comment: In summary, the available evidence is currently insufficient to determine the role of this variant in disease. Therefore, it has been classified as a Variant of Uncertain Significance. Algorithms developed to predict the effect of missense changes on protein structure and function (SIFT, PolyPhen-2, Align-GVGD) all suggest that this variant is likely to be disruptive. This variant has not been reported in the literature in individuals affected with SCN11A-related conditions. This variant is not present in population databases (gnomAD no frequency). This sequence change replaces proline, which is neutral and non-polar, with alanine, which is neutral and non-polar, at codon 1176 of the SCN11A protein (p.Pro1176Ala).

NM_001349253.2(SCN11A):c.3526C>G (p.Pro1176Ala)

Genes: SCN11A (sodium voltage-gated channel alpha subunit 11; minus strand), LOC126806652 (CDK7 strongly-dependent group 2 enhancer GRCh37_chr3:38912374-38913573; plus strand). Cytogenetic location: 3p22.2.
Variant type: single nucleotide variant.
Coding change: c.3526C>G on transcript NM_001349253.2 (MANE Select); coding-DNA position 3526, C replaced by G.
Protein change: p.Pro1176Ala; replaces proline 1176 with alanine.
Molecular consequence: missense variant.
Genome position (GRCh38, 1-based): chr3:38,871,678, G>C on the plus strand (C>G on the coding strand, the complement: SCN11A is on the minus strand). VCF-style: chr3-38871678-G-C. GRCh37 (hg19) VCF-style: chr3-38913169-G-C.
Other names: c.3526C>G (NM_014139.2); c.3526C>G, p.Pro1176Ala (NM_014139.3); short protein forms P1176A.
Identifiers: ClinVar variation 2187850 (VCV002187850.6), dbSNP rs2065128737, ClinGen allele CA352171172.